The following is an entry in ClinVar:

ClinVar aggregate classification (germline): Pathogenic/Likely pathogenic. Review status: criteria provided, multiple submitters, no conflicts (2 of 4 stars). 3 submissions from 3 submitters: Pathogenic (1); Likely pathogenic (1). 1 of the submissions does not count toward it. Last evaluated 2025-03-13.

Conditions:
Primary ciliary dyskinesia 26. Also called: CILIARY DYSKINESIA, PRIMARY, 26, WITH OR WITHOUT SITUS INVERSUS; CILIARY DYSKINESIA, PRIMARY, 26, WITH SITUS INVERSUS; CILIARY DYSKINESIA, PRIMARY, 26, WITHOUT SITUS INVERSUS. Identifiers: Orphanet 244, MedGen C3809684, MONDO:0014211, OMIM 615500.

Allele frequency attached by ClinVar (database versions not stated): gnomAD exomes 0.00008; gnomAD 0.00009 and 0.00008; ESP Exome Variant Server 0.00015; 1000 Genomes Project 0.00020; 1000 Genomes Project 30x 0.00031; TOPMed 0.00006; ExAC 0.00007.
gnomAD v4.1: 115 of 1,613,472 alleles (0.0071%); highest among the groups gnomAD compares: Middle Eastern, 0.017%; no homozygotes.

Submissions (3):

Labcorp Genetics (formerly Invitae), Labcorp
Classification: Pathogenic. Last evaluated: 2025-03-13. Review status: criteria provided, single submitter. Criteria: Invitae Variant Classification Sherloc (09022015). Collection method: clinical testing. Allele origin: germline.
Comment: This sequence change creates a premature translational stop signal (p.Arg98*) in the CFAP298 gene. It is expected to result in an absent or disrupted protein product. Loss-of-function variants in CFAP298 are known to be pathogenic (PMID: 24094744). This variant is present in population databases (rs143740376, gnomAD 0.01%). This premature translational stop signal has been observed in individual(s) with primary ciliary dyskinesia (PMID: 24094744). ClinVar contains an entry for this variant (Variation ID: 88689). For these reasons, this variant has been classified as Pathogenic.

Fulgent Genetics
Classification: Likely pathogenic for Primary ciliary dyskinesia 26. Last evaluated: 2022-04-19. Review status: criteria provided, single submitter. Criteria: ACMG Guidelines, 2015. Collection method: clinical testing. Allele origin: unknown.

OMIM
Classification: Pathogenic for CILIARY DYSKINESIA, PRIMARY, 26, WITHOUT SITUS INVERSUS. Last evaluated: 2013-10-03. Review status: no assertion criteria provided. Collection method: literature only. Allele origin: germline. Not counted in ClinVar's aggregate classification.

Literature cited by the submitters: PubMed 24094744 (cited by Labcorp Genetics (formerly Invitae), Labcorp and OMIM).

NM_021254.4(CFAP298):c.292C>T (p.Arg98Ter)

Genes: CFAP298 (cilia and flagella associated protein 298; minus strand), CFAP298-TCP10L (CFAP298-TCP10L readthrough; minus strand). Cytogenetic location: 21q22.11.
Variant type: single nucleotide variant.
Coding change: c.292C>T on transcript NM_021254.4 (MANE Select); coding-DNA position 292, C replaced by T.
Protein change: p.Arg98Ter; replaces arginine 98 with a stop codon.
Molecular consequence: nonsense. On other transcripts: non-coding transcript variant (2), synonymous variant (1).
Genome position (GRCh38, 1-based): chr21:32,609,853, G>A on the plus strand (C>T on the coding strand, the complement: CFAP298 is on the minus strand). VCF-style: chr21-32609853-G-A. GRCh37 (hg19) VCF-style: chr21-33982163-G-A.
Other names: CFAP298, ARG98TER (rs143740376); c.292C>T, p.Arg98Ter (NM_001350338.2, NM_001350335.2, NM_001350336.2 and 1 more transcripts); c.63C>T, p.Asp21= (NM_001350334.2); short protein forms R98*.
Identifiers: ClinVar variation 88689 (VCV000088689.12), dbSNP rs143740376, ClinGen allele CA021253.